The following is an entry in ClinVar:

NM_001134363.3(RBM20):c.1234C>A (p.His412Asn)

Gene: RBM20 (RNA binding motif protein 20; plus strand). Cytogenetic location: 10q25.2.
Variant type: single nucleotide variant.
Coding change: c.1234C>A on transcript NM_001134363.3 (MANE Select); coding-DNA position 1234, C replaced by A.
Protein change: p.His412Asn; replaces histidine 412 with asparagine.
Molecular consequence: missense variant.
Genome position (GRCh38, 1-based): chr10:110,781,843, C>A. VCF-style: chr10-110781843-C-A. GRCh37 (hg19) VCF-style: chr10-112541601-C-A.
Other names: short protein forms H412N.
Identifiers: ClinVar variation 1364254 (VCV001364254.8), dbSNP rs2135045176, ClinGen allele CA378386066.

ClinVar aggregate classification (germline): Uncertain significance (1 of 4 stars; one submission).

Conditions:
Dilated cardiomyopathy 1DD (CMD1DD). Identifiers: Orphanet 154, MedGen C2750995, MONDO:0013168, OMIM 613172.

Submission:

Labcorp Genetics (formerly Invitae), Labcorp
Classification: Uncertain significance for Dilated cardiomyopathy 1DD. Last evaluated: 2021-01-12. Review status: criteria provided, single submitter. Criteria: Invitae Variant Classification Sherloc (09022015). Collection method: clinical testing. Allele origin: germline.
Comment: This sequence change replaces histidine with asparagine at codon 412 of the RBM20 protein (p.His412Asn). The histidine residue is weakly conserved and there is a small physicochemical difference between histidine and asparagine. This variant is not present in population databases (ExAC no frequency). This variant has not been reported in the literature in individuals with RBM20-related conditions. Algorithms developed to predict the effect of missense changes on protein structure and function are either unavailable or do not agree on the potential impact of this missense change (SIFT: "Deleterious"; PolyPhen-2: "Probably Damaging"; Align-GVGD: "Class C0"). In summary, the available evidence is currently insufficient to determine the role of this variant in disease. Therefore, it has been classified as a Variant of Uncertain Significance.